The following is an entry in ClinVar:

ClinVar aggregate classification (germline): Likely benign. Review status: criteria provided, multiple submitters, no conflicts (2 of 4 stars). 2 submissions from 2 submitters: Likely benign (2). Last evaluated 2025-08-21.

Conditions:
Epileptic encephalopathy. Identifiers: MedGen C0543888, HP:0200134.

Allele frequency attached by ClinVar (database versions not stated): gnomAD exomes 0.00059 and 0.00099; 1000 Genomes Project 0.00060; TOPMed 0.00066; gnomAD 0.00071; ESP Exome Variant Server 0.00082; ExAC 0.00084; 1000 Genomes Project 30x 0.00156.
gnomAD v4.1: 1,538 of 1,609,528 alleles (0.096%); highest among the groups gnomAD compares: Non-Finnish European, 0.12%; no homozygotes.

Submissions (2):

Labcorp Genetics (formerly Invitae), Labcorp
Classification: Likely benign for Epileptic encephalopathy. Last evaluated: 2025-08-21. Review status: criteria provided, single submitter. Criteria: Invitae Variant Classification Sherloc (09022015). Collection method: clinical testing. Allele origin: germline.

CeGaT Center for Human Genetics Tuebingen
Classification: Likely benign. Last evaluated: 2024-02-01. Review status: criteria provided, single submitter. Criteria: CeGaT Center For Human Genetics Tuebingen Variant Classification Criteria Version 2. Collection method: clinical testing. Allele origin: germline. Affected: yes. Observed: 1 variant allele.
Comment: RYR3: BP4

NM_001036.6(RYR3):c.8703C>T (p.Ala2901=)

Gene: RYR3 (ryanodine receptor 3; plus strand). Cytogenetic location: 15q14.
Variant type: single nucleotide variant.
Coding change: c.8703C>T on transcript NM_001036.6 (MANE Select); coding-DNA position 8703, C replaced by T.
Protein change: p.Ala2901=; no amino-acid change (alanine 2901 retained).
Molecular consequence: synonymous variant.
Genome position (GRCh38, 1-based): chr15:33,757,594, C>T. VCF-style: chr15-33757594-C-T. GRCh37 (hg19) VCF-style: chr15-34049795-C-T.
Other names: c.8703C>T, p.Ala2901= (NM_001243996.4).
Identifiers: ClinVar variation 461973 (VCV000461973.33), dbSNP rs186614396, ClinGen allele CA7460280.